The following is an entry in ClinVar:

ClinVar aggregate classification (germline): Uncertain significance (1 of 4 stars; one submission).

Conditions:
Combined immunodeficiency due to LRBA deficiency. Also called: Common variable immunodeficiency 8, with autoimmunity. Identifiers: Orphanet 445018, MedGen C3553512, MONDO:0013863, OMIM 614700.

Submission:

Labcorp Genetics (formerly Invitae), Labcorp
Classification: Uncertain significance for Combined immunodeficiency due to LRBA deficiency. Last evaluated: 2021-04-17. Review status: criteria provided, single submitter. Criteria: Invitae Variant Classification Sherloc (09022015). Collection method: clinical testing. Allele origin: germline.
Comment: This variant has not been reported in the literature in individuals with LRBA-related conditions. Algorithms developed to predict the effect of missense changes on protein structure and function are either unavailable or do not agree on the potential impact of this missense change (SIFT: "Deleterious"; PolyPhen-2: "Probably Damaging"; Align-GVGD: "Class C0"). In summary, the available evidence is currently insufficient to determine the role of this variant in disease. Therefore, it has been classified as a Variant of Uncertain Significance. This variant is not present in population databases (ExAC no frequency). This sequence change replaces tryptophan with cysteine at codon 2215 of the LRBA protein (p.Trp2215Cys). The tryptophan residue is highly conserved and there is a large physicochemical difference between tryptophan and cysteine.

NM_001364905.1(LRBA):c.6612G>C (p.Trp2204Cys)

Gene: LRBA (LPS responsive beige-like anchor protein; minus strand). Cytogenetic location: 4q31.3.
Variant type: single nucleotide variant.
Coding change: c.6612G>C on transcript NM_001364905.1 (MANE Select); coding-DNA position 6612, G replaced by C.
Protein change: p.Trp2204Cys; replaces tryptophan 2204 with cysteine.
Molecular consequence: missense variant.
Genome position (GRCh38, 1-based): chr4:150,471,679, C>G on the plus strand (G>C on the coding strand, the complement: LRBA is on the minus strand). VCF-style: chr4-150471679-C-G. GRCh37 (hg19) VCF-style: chr4-151392831-C-G.
Other names: c.6612G>C, p.Trp2204Cys (NM_001199282.3, NM_001367550.1); c.6645G>C, p.Trp2215Cys (NM_006726.5); short protein forms W2204C, W2215C.
Identifiers: ClinVar variation 1449038 (VCV001449038.8), dbSNP rs2152068481, ClinGen allele CA358606698.